The following is an entry in ClinVar:

NM_000264.5(PTCH1):c.1503G>C (p.Gln501His)

Gene: PTCH1 (patched 1; minus strand). Cytogenetic location: 9q22.32.
Variant type: single nucleotide variant.
Coding change: c.1503G>C on transcript NM_000264.5 (MANE Select); coding-DNA position 1503, G replaced by C.
Protein change: p.Gln501His; replaces glutamine 501 with histidine.
Molecular consequence: missense variant. On other transcripts: non-coding transcript variant (1), intron variant (1).
Genome position (GRCh38, 1-based): chr9:95,477,547, C>G on the plus strand (G>C on the coding strand, the complement: PTCH1 is on the minus strand). VCF-style: chr9-95477547-C-G. GRCh37 (hg19) VCF-style: chr9-98239829-C-G.
Other names: c.1305G>C, p.Gln435His (NM_001083602.3); c.1500G>C, p.Gln500His (NM_001083603.3); c.1050G>C, p.Gln350His (NM_001083604.3, NM_001083605.3, NM_001083606.3 and 1 more transcripts); c.1347+508G>C (NM_001354918.2); short protein forms Q435H, Q501H, Q500H, Q350H.
Identifiers: ClinVar variation 524588 (VCV000524588.9), dbSNP rs1085307511, ClinGen allele CA374118369.
Genomic context (GRCh38, chr9:95,477,547, plus strand): 5'-CAAGCCTGGGGGCCGGGTGGCATTTGTCAACGGACAGCAGATAAATGGCTCCTTTAGTAC[C>G]TGAGTTGTTGCAGCGTTAAAGGAAATTCCGATCAATGAGCACAGGCCCAGTCCTGCAGCC-3'
Protein context (NP_000255.2, residues 491-511): IGISFNAATT[Gln501His]VLPFLALGVG

ClinVar aggregate classification (germline): Uncertain significance (1 of 4 stars; one submission).

Conditions:
Gorlin syndrome. Also called: Basal cell nevus syndrome; Nevoid Basal Cell Carcinoma Syndrome. Identifiers: Orphanet 377, MedGen C0004779, MONDO:0007187.

Submission:

Labcorp Genetics (formerly Invitae), Labcorp
Classification: Uncertain significance for Gorlin syndrome. Last evaluated: 2017-11-11. Review status: criteria provided, single submitter. Criteria: Invitae Variant Classification Sherloc (09022015). Collection method: clinical testing. Allele origin: germline.
Comment: This sequence change replaces glutamine with histidine at codon 501 of the PTCH1 protein (p.Gln501His). The glutamine residue is moderately conserved and there is a small physicochemical difference between glutamine and histidine. This variant also falls at the last nucleotide of exon 10 of the PTCH1 coding sequence, which is part of the consensus splice site for this exon. In summary, the available evidence is currently insufficient to determine the role of this variant in disease. Therefore, it has been classified as a Variant of Uncertain Significance. Nucleotide substitutions within the consensus splice site are relatively common causes of aberrant splicing (PMID: 17576681, 9536098). Algorithms developed to predict the effect of sequence changes on RNA splicing suggest that this variant may disrupt the consensus splice site, but this prediction has not been confirmed by published transcriptional studies. Algorithms developed to predict the effect of missense changes on protein structure and function do not agree on the potential impact of this missense change (SIFT: "Deleterious"; PolyPhen-2: "Probably Damaging"; Align-GVGD: "Class C0"). This variant has not been reported in the literature in individuals with PTCH1-related disease. However, a different missense substitution at this codon (p.Gln501Arg) has been has been reported to segregate with Gorlin syndrome in a single family (PMID: 26544948), suggesting the glutamine residue is important for PTCH1 function. This variant is not present in population databases (ExAC no frequency).

Literature cited by the submitters: PubMed 17576681; PubMed 9536098; PubMed 26544948.